The following is an entry in ClinVar:

NM_020944.3(GBA2):c.1795+7G>A

Gene: GBA2 (glucosylceramidase beta 2; minus strand). Cytogenetic location: 9p13.3.
Variant type: single nucleotide variant.
Coding change: c.1795+7G>A on transcript NM_020944.3 (MANE Select); 7 bases into the intron after coding-DNA position 1795, G replaced by A.
Molecular consequence: intron variant.
Genome position (GRCh38, 1-based): chr9:35,738,995, C>T on the plus strand (G>A on the coding strand, the complement: GBA2 is on the minus strand). VCF-style: chr9-35738995-C-T. GRCh37 (hg19) VCF-style: chr9-35738992-C-T.
Other names: p.?; c.1795+7G>A (NM_001330660.2).
Identifiers: ClinVar variation 416641 (VCV000416641.16), dbSNP rs73438754, ClinGen allele CA5050288.

ClinVar aggregate classification (germline): Benign. Review status: criteria provided, multiple submitters, no conflicts (2 of 4 stars). 5 submissions from 5 submitters: Benign (5). Last evaluated 2026-02-03.

Conditions:
Hereditary spastic paraplegia. Also called: Familial spastic paraparesis. Identifiers: Orphanet 685, MedGen C0037773, MONDO:0019064. Disease mechanism: loss of function.
Spastic paraplegia. Identifiers: MedGen C0037772, HP:0001258.

Allele frequency attached by ClinVar (database versions not stated): gnomAD exomes 0.00538 and 0.00940; ExAC 0.01168; gnomAD 0.03158 and 0.03415; 1000 Genomes Project 0.03175; 1000 Genomes Project 30x 0.03310; TOPMed 0.03541; ESP Exome Variant Server 0.03844.
gnomAD v4.1: 12,774 of 1,610,666 alleles (0.79%); highest among the groups gnomAD compares: African/African-American, 11%; 431 homozygotes.

Submissions (5):

Labcorp Genetics (formerly Invitae), Labcorp
Classification: Benign for Spastic paraplegia. Last evaluated: 2026-02-03. Review status: criteria provided, single submitter. Criteria: Invitae Variant Classification Sherloc (09022015). Collection method: clinical testing. Allele origin: germline.

Genome Diagnostics Laboratory, The Hospital for Sick Children
Classification: Benign for Hereditary spastic paraplegia. Last evaluated: 2021-10-29. Review status: criteria provided, single submitter. Criteria: ACMG Guidelines, 2015. Collection method: clinical testing. Allele origin: germline. Affected: yes.

Mayo Clinic Laboratories, Mayo Clinic
Classification: Benign. Last evaluated: 2017-10-05. Review status: criteria provided, single submitter. Criteria: ACMG Guidelines, 2015. Collection method: clinical testing. Allele origin: germline. Observed: 28 variant alleles.

GeneDx
Classification: Benign. Last evaluated: 2017-02-14. Review status: criteria provided, single submitter. Criteria: GeneDx Variant Classification (06012015). Collection method: clinical testing. Allele origin: germline. Affected: yes.
Comment: This variant is considered likely benign or benign based on one or more of the following criteria: it is a conservative change, it occurs at a poorly conserved position in the protein, it is predicted to be benign by multiple in silico algorithms, and/or has population frequency not consistent with disease.

Breakthrough Genomics
Classification: Benign. Review status: criteria provided, single submitter. Criteria: ACMG Guidelines, 2015. Collection method: not provided. Allele origin: germline. Inheritance: Autosomal recessive inheritance. Affected: yes.